The following is an entry in ClinVar:

ClinVar aggregate classification (germline): Uncertain significance (1 of 4 stars; one submission).

gnomAD v4.1: 5 of 1,606,994 alleles (0.00031%); highest among the groups gnomAD compares: Non-Finnish European, 0.00043%; no homozygotes.

Submission:

Labcorp Genetics (formerly Invitae), Labcorp
Classification: Uncertain significance. Last evaluated: 2021-05-18. Review status: criteria provided, single submitter. Criteria: Invitae Variant Classification Sherloc (09022015). Collection method: clinical testing. Allele origin: germline.
Comment: This variant is not present in population databases (ExAC no frequency). In summary, the available evidence is currently insufficient to determine the role of this variant in disease. Therefore, it has been classified as a Variant of Uncertain Significance. Algorithms developed to predict the effect of missense changes on protein structure and function are either unavailable or do not agree on the potential impact of this missense change (SIFT: "Deleterious"; PolyPhen-2: "Benign"; Align-GVGD: "Class C0"). This variant has not been reported in the literature in individuals with ERBB4-related conditions. This sequence change replaces serine with asparagine at codon 1051 of the ERBB4 protein (p.Ser1051Asn). The serine residue is moderately conserved and there is a small physicochemical difference between serine and asparagine.

NM_005235.3(ERBB4):c.3152G>A (p.Ser1051Asn)

Gene: ERBB4 (erb-b2 receptor tyrosine kinase 4; minus strand). Cytogenetic location: 2q34.
Variant type: single nucleotide variant.
Coding change: c.3152G>A on transcript NM_005235.3 (MANE Select); coding-DNA position 3152, G replaced by A.
Protein change: p.Ser1051Asn; replaces serine 1051 with asparagine.
Molecular consequence: missense variant. On other transcripts: intron variant (2).
Genome position (GRCh38, 1-based): chr2:211,387,976, C>T on the plus strand (G>A on the coding strand, the complement: ERBB4 is on the minus strand). VCF-style: chr2-211387976-C-T. GRCh37 (hg19) VCF-style: chr2-212252701-C-T.
Other names: c.3122G>A, p.Ser1041Asn (NM_001439005.1); c.3136-826G>A (NM_001042599.2); c.3106-826G>A (NM_001439006.1); short protein forms S1051N, S1041N.
Identifiers: ClinVar variation 1446483 (VCV001446483.8), dbSNP rs2125322794, ClinGen allele CA350781099.